The following is an entry in ClinVar:

NM_001365951.3(KIF1B):c.1358G>C (p.Gly453Ala)

Gene: KIF1B (kinesin family member 1B; plus strand). Cytogenetic location: 1p36.22.
Variant type: single nucleotide variant.
Coding change: c.1358G>C on transcript NM_001365951.3 (MANE Select); coding-DNA position 1358, G replaced by C.
Protein change: p.Gly453Ala; replaces glycine 453 with alanine.
Molecular consequence: missense variant.
Genome position (GRCh38, 1-based): chr1:10,282,457, G>C. VCF-style: chr1-10282457-G-C. GRCh37 (hg19) VCF-style: chr1-10342515-G-C.
Other names: c.1358G>C, p.Gly453Ala (NM_001365952.1); c.1220G>C, p.Gly407Ala (NM_001365953.1, NM_015074.3, NM_183416.4); short protein forms G453A, G407A.
Identifiers: ClinVar variation 1752990 (VCV001752990.2), dbSNP rs2521256892, ClinGen allele CA338336371.
Genomic context (GRCh38, chr1:10,282,457, plus strand): 5'-CAGCATCCATGGGGTCCCTCACTTCATCCCCATCTTCCTGCTCACTCAGTAGTCAGGTGG[G>C]CTTGACGTCTGTGACCAGTATTCAAGAGAGGATCATGTCTACACCTGGAGGAGAGGAAGC-3'
Protein context (NP_001352880.1, residues 443-463): PSSCSLSSQV[Gly453Ala]LTSVTSIQER

ClinVar aggregate classification (germline): Uncertain significance (1 of 4 stars; one submission).

Submission:

Ambry Genetics
Classification: Uncertain significance. Last evaluated: 2022-09-28. Review status: criteria provided, single submitter. Criteria: Ambry Variant Classification Scheme 2023. Collection method: clinical testing. Allele origin: germline.
Comment: The p.G407A variant (also known as c.1220G>C), located in coding exon 12 of the KIF1B gene, results from a G to C substitution at nucleotide position 1220. The glycine at codon 407 is replaced by alanine, an amino acid with similar properties. This amino acid position is conserved. In addition, the in silico prediction for this alteration is inconclusive. Since supporting evidence is limited at this time, the clinical significance of this alteration remains unclear.